The following is an entry in ClinVar:

NM_001365276.2(TNXB):c.9161C>T (p.Thr3054Ile)

Gene: TNXB (tenascin XB; minus strand). Cytogenetic location: 6p21.33.
Variant type: single nucleotide variant.
Coding change: c.9161C>T on transcript NM_001365276.2 (MANE Select); coding-DNA position 9161, C replaced by T.
Protein change: p.Thr3054Ile; replaces threonine 3054 with isoleucine.
Molecular consequence: missense variant.
Genome position (GRCh38, 1-based): chr6:32,050,276, G>A on the plus strand (C>T on the coding strand, the complement: TNXB is on the minus strand). VCF-style: chr6-32050276-G-A. GRCh37 (hg19) VCF-style: chr6-32018053-G-A.
Other names: c.9155C>T, p.Thr3052Ile (NM_019105.8); short protein forms T3052I, T3054I.
Identifiers: ClinVar variation 2593715 (VCV002593715.3), dbSNP rs368614627, ClinGen allele CA3733617.

ClinVar aggregate classification (germline): Uncertain significance. Review status: criteria provided, multiple submitters, no conflicts (2 of 4 stars). 2 submissions from 2 submitters: Uncertain significance (2). Last evaluated 2025-06-23.

Conditions:
Cardiovascular phenotype. Identifiers: MedGen CN230736.

Allele frequency attached by ClinVar (database versions not stated): gnomAD 0.00002; TOPMed 0.00002.
gnomAD v4.1: 22 of 1,613,442 alleles (0.0014%); highest among the groups gnomAD compares: East Asian, 0.033%; no homozygotes.

Submissions (2):

Women's Health and Genetics/Laboratory Corporation of America, LabCorp
Classification: Uncertain significance. Last evaluated: 2025-06-23. Review status: criteria provided, single submitter. Criteria: LabCorp Variant Classification Summary - May 2015. Collection method: clinical testing. Allele origin: germline.
Comment: Variant summary: TNXB c.9155C>T (p.Thr3052Ile) results in a non-conservative amino acid change in the encoded protein sequence. Algorithms developed to predict the effect of missense changes on protein structure and function are either unavailable or do not agree on the potential impact of this missense change. The variant allele was found at a frequency of 2.4e-05 in 245714 control chromosomes. The available data on variant occurrences in the general population are insufficient to allow any conclusion about variant significance. To our knowledge, no occurrence of c.9155C>T in individuals affected with Ehlers-Danlos syndrome due to tenascin-X deficiency and no experimental evidence demonstrating its impact on protein function have been reported. ClinVar contains an entry for this variant (Variation ID: 2593715). Based on the evidence outlined above, the variant was classified as uncertain significance.

Ambry Genetics
Classification: Uncertain significance for Cardiovascular phenotype. Last evaluated: 2023-07-31. Review status: criteria provided, single submitter. Criteria: Ambry Variant Classification Scheme 2023. Collection method: clinical testing. Allele origin: germline.
Comment: The p.T3052I variant (also known as c.9155C>T), located in coding exon 26 of the TNXB gene, results from a C to T substitution at nucleotide position 9155. The threonine at codon 3052 is replaced by isoleucine, an amino acid with similar properties. This amino acid position is conserved. In addition, this alteration is predicted to be tolerated by in silico analysis. Since supporting evidence is limited at this time, the clinical significance of this alteration remains unclear.